The following is an entry in ClinVar:

ClinVar aggregate classification (germline): Likely benign. Review status: criteria provided, multiple submitters, no conflicts (2 of 4 stars). 3 submissions from 3 submitters: Likely benign (3). Last evaluated 2025-11-01.

Conditions:
Donnai-Barrow syndrome. Also called: DBS/FOAR SYNDROME; FACIOOCULOACOUSTICORENAL SYNDROME. Identifiers: Orphanet 2143, MedGen C1857277, MONDO:0009104, OMIM 222448.

gnomAD v4.1: 39 of 1,613,808 alleles (0.0024%); highest among the groups gnomAD compares: Admixed American, 0.018%; no homozygotes.

Submissions (3):

CeGaT Center for Human Genetics Tuebingen
Classification: Likely benign. Last evaluated: 2025-11-01. Review status: criteria provided, single submitter. Criteria: CeGaT Center For Human Genetics Tuebingen Variant Classification Criteria Version 2. Collection method: clinical testing. Allele origin: germline. Affected: yes. Observed: 1 variant allele.
Comment: LRP2: BP4, BP7

Labcorp Genetics (formerly Invitae), Labcorp
Classification: Likely benign. Last evaluated: 2025-09-02. Review status: criteria provided, single submitter. Criteria: Invitae Variant Classification Sherloc (09022015). Collection method: clinical testing. Allele origin: germline.

Fulgent Genetics
Classification: Likely benign for Donnai-Barrow syndrome. Last evaluated: 2022-02-15. Review status: criteria provided, single submitter. Criteria: ACMG Guidelines, 2015. Collection method: clinical testing. Allele origin: unknown.

NM_004525.3(LRP2):c.13137C>G (p.Pro4379=)

Gene: LRP2 (LDL receptor related protein 2; minus strand). Cytogenetic location: 2q31.1.
Variant type: single nucleotide variant.
Coding change: c.13137C>G on transcript NM_004525.3 (MANE Select); coding-DNA position 13137, C replaced by G.
Protein change: p.Pro4379=; no amino-acid change (proline 4379 retained).
Molecular consequence: synonymous variant.
Genome position (GRCh38, 1-based): chr2:169,140,517, G>C on the plus strand (C>G on the coding strand, the complement: LRP2 is on the minus strand). VCF-style: chr2-169140517-G-C. GRCh37 (hg19) VCF-style: chr2-169997027-G-C.
Identifiers: ClinVar variation 1605106 (VCV001605106.15), dbSNP rs140160600, ClinGen allele CA1952642.
Genomic context (GRCh38, chr2:169,140,517, plus strand): 5'-GCATTTGGGGAGGTCAGTCTCATCAAAATAGCAATTTCCTCCGTGCATGCACCTGCATGG[G>C]GGGGGCAGGTTGATAGGCAGTTCGATGGCTGCAGGAAGGGAAAGCCATGCAGGTGTTAGT-3'
Protein context (NP_004516.2, residues 4369-4389): AAIELPINLP[Pro4379=]PCRCMHGGNC